The following is an entry in ClinVar:

NM_006019.4(TCIRG1):c.1664_1667dup (p.His557fs)

Gene: TCIRG1 (T cell immune regulator 1, ATPase H+ transporting V0 subunit a3; plus strand). Cytogenetic location: 11q13.2.
Variant type: Duplication.
Coding change: c.1664_1667dup on transcript NM_006019.4 (MANE Select); coding-DNA positions 1664 to 1667, 4 bases duplicated (TCAA; older notation c.1664_1667dupTCAA).
Protein change: p.His557fs; shifts the reading frame from histidine 557.
Molecular consequence: frameshift variant.
Genome position (GRCh38, 1-based): chr11:68,048,988-68,048,991, TCAA duplicated. VCF-style (leftmost placement, unchanged base first): chr11-68048987-T-TTCAA. GRCh37 (hg19) VCF-style: chr11-67816454-T-TTCAA.
Other names: c.770_773dup, p.His259fs (NM_001351059.2); c.1016_1019dup, p.His341fs (NM_006053.4); c.1664_1667dupTCAA (NM_006019.3); short protein forms H259fs, H341fs, H557fs.
Identifiers: ClinVar variation 2155741 (VCV002155741.6), dbSNP rs767301647, ClinGen allele CA6147214.

ClinVar aggregate classification (germline): Pathogenic/Likely pathogenic. Review status: criteria provided, multiple submitters, no conflicts (2 of 4 stars). 3 submissions from 3 submitters: Pathogenic (1); Likely pathogenic (2). Last evaluated 2024-04-05.

Conditions:
Autosomal recessive osteopetrosis 1. Also called: TCIRG1-Related Autosomal Recessive Osteopetrosis; TCIRG1-Related Osteopetrosis; ALBERS-SCHONBERG DISEASE, AUTOSOMAL RECESSIVE. Identifiers: Orphanet 667, MedGen C1850127, MONDO:0009815, OMIM 259700.

Allele frequency attached by ClinVar (database versions not stated): gnomAD exomes 0.00001; TOPMed 0.00001; ExAC 0.00002.

Submissions (3):

Natera, Inc.
Classification: Likely pathogenic for Infantile malignant osteopetrosis. Last evaluated: 2024-04-05. Review status: criteria provided, single submitter. Criteria: Natera Variant Classification Schema (03/2026). Collection method: clinical testing. Allele origin: germline.
Comment: The c.1664_1667dupTCAA variant in TCIRG1 is a frameshift variant predicted to shift the reading frame beginning at codon 557 and leads to a stop codon 114 codons downstream. This variant is expected to result in nonsense mediated decay, truncation, or a dysfunctional protein product. This variant is rare in the general population with a frequency below the threshold expected for the associated phenotype(s). Given the available evidence, this variant is classified as Likely Pathogenic.

Labcorp Genetics (formerly Invitae), Labcorp
Classification: Pathogenic. Last evaluated: 2023-11-20. Review status: criteria provided, single submitter. Criteria: Invitae Variant Classification Sherloc (09022015). Collection method: clinical testing. Allele origin: germline.
Comment: This sequence change creates a premature translational stop signal (p.His557Glnfs*114) in the TCIRG1 gene. It is expected to result in an absent or disrupted protein product. Loss-of-function variants in TCIRG1 are known to be pathogenic (PMID: 10888887, 10942435, 11532986, 19448635). This variant is present in population databases (rs767301647, gnomAD 0.003%). This variant has not been reported in the literature in individuals affected with TCIRG1-related conditions. ClinVar contains an entry for this variant (Variation ID: 2155741). For these reasons, this variant has been classified as Pathogenic.

Baylor Genetics
Classification: Likely pathogenic for Autosomal recessive osteopetrosis 1. Last evaluated: 2023-07-25. Review status: criteria provided, single submitter. Criteria: ACMG Guidelines, 2015. Collection method: clinical testing. Allele origin: unknown.

Literature cited by the submitters: PubMed 10888887 (cited by Labcorp Genetics (formerly Invitae), Labcorp); PubMed 10942435 (cited by Labcorp Genetics (formerly Invitae), Labcorp); PubMed 11532986 (cited by Labcorp Genetics (formerly Invitae), Labcorp); PubMed 19448635 (cited by Labcorp Genetics (formerly Invitae), Labcorp).